The following is an entry in ClinVar:

ClinVar aggregate classification (germline): Uncertain significance (1 of 4 stars; one submission).

Conditions:
Hereditary cancer-predisposing syndrome. Also called: Neoplastic Syndromes, Hereditary; Tumor predisposition; Hereditary Cancer Syndrome; Hereditary neoplastic syndrome. Identifiers: Orphanet 140162, MedGen C0027672, MeSH D009386, MONDO:0015356.

Allele frequency attached by ClinVar (database versions not stated): gnomAD 0.00003; TOPMed 0.00003.
gnomAD v4.1: 4 of 1,614,092 alleles (0.00025%); highest among the groups gnomAD compares: Admixed American, 0.0067%; no homozygotes.

Submission:

Ambry Genetics
Classification: Uncertain significance for Hereditary cancer-predisposing syndrome. Last evaluated: 2024-05-06. Review status: criteria provided, single submitter. Criteria: Ambry Variant Classification Scheme 2023. Collection method: clinical testing. Allele origin: germline.
Comment: The p.Y408C variant (also known as c.1223A>G), located in coding exon 9 of the SDHA gene, results from an A to G substitution at nucleotide position 1223. The tyrosine at codon 408 is replaced by cysteine, an amino acid with highly dissimilar properties. This amino acid position is highly conserved in available vertebrate species. In addition, this alteration is predicted to be deleterious by in silico analysis. Based on the available evidence, the clinical significance of this variant remains unclear.

NM_004168.4(SDHA):c.1223A>G (p.Tyr408Cys)

Gene: SDHA (succinate dehydrogenase complex flavoprotein subunit A; plus strand). Cytogenetic location: 5p15.33.
Variant type: single nucleotide variant.
Coding change: c.1223A>G on transcript NM_004168.4 (MANE Select); coding-DNA position 1223, A replaced by G.
Protein change: p.Tyr408Cys; replaces tyrosine 408 with cysteine.
Molecular consequence: missense variant.
Genome position (GRCh38, 1-based): chr5:235,302, A>G. VCF-style: chr5-235302-A-G. GRCh37 (hg19) VCF-style: chr5-235417-A-G.
Other names: c.1079A>G, p.Tyr360Cys (NM_001294332.2); c.1223A>G, p.Tyr408Cys (NM_001330758.2); short protein forms Y360C, Y408C.
Identifiers: ClinVar variation 1753575 (VCV001753575.3), dbSNP rs1345848958, ClinGen allele CA359013700.